The following is an entry in ClinVar:

ClinVar aggregate classification (germline): Uncertain significance. Review status: criteria provided, multiple submitters, no conflicts (2 of 4 stars). 2 submissions from 2 submitters: Uncertain significance (2). Last evaluated 2024-10-28.

Conditions:
Autosomal recessive limb-girdle muscular dystrophy type 2W (MDRCMTT). Also called: Muscular dystrophy, limb-girdle, type 2W; Muscular dystrophy, autosomal recessive, with cardiomyopathy and triangular tongue. Identifiers: MedGen C4225192, MONDO:0014788, OMIM 616827.

Allele frequency attached by ClinVar (database versions not stated): ExAC 0.00001; gnomAD exomes 0.00001.
gnomAD v4.1: 18 of 1,613,920 alleles (0.0011%); highest among the groups gnomAD compares: South Asian, 0.0044%; no homozygotes.

Submissions (2):

Labcorp Genetics (formerly Invitae), Labcorp
Classification: Uncertain significance for Autosomal recessive limb-girdle muscular dystrophy type 2W. Last evaluated: 2024-10-28. Review status: criteria provided, single submitter. Criteria: Invitae Variant Classification Sherloc (09022015). Collection method: clinical testing. Allele origin: germline.
Comment: This sequence change creates a premature translational stop signal (p.Lys344*) in the LIMS2 gene. While this is not anticipated to result in nonsense mediated decay, it is expected to disrupt the last 20 amino acid(s) of the LIMS2 protein. This variant is present in population databases (rs775673470, gnomAD 0.003%). This variant has not been reported in the literature in individuals affected with LIMS2-related conditions. Experimental studies and prediction algorithms are not available or were not evaluated, and the functional significance of this variant is currently unknown. In summary, the available evidence is currently insufficient to determine the role of this variant in disease. Therefore, it has been classified as a Variant of Uncertain Significance.

Genomic Medicine Center of Excellence, King Faisal Specialist Hospital and Research Centre
Classification: Uncertain significance for Muscular dystrophy, autosomal recessive, with cardiomyopathy and triangular tongue. Last evaluated: 2024-03-14. Review status: criteria provided, single submitter. Criteria: ACMG Guidelines, 2015. Collection method: clinical testing. Allele origin: germline.

NM_001161403.3(LIMS2):c.964A>T (p.Lys322Ter)

Gene: LIMS2 (LIM zinc finger domain containing 2; minus strand). Cytogenetic location: 2q14.3.
Variant type: single nucleotide variant.
Coding change: c.964A>T on transcript NM_001161403.3 (MANE Select); coding-DNA position 964, A replaced by T.
Protein change: p.Lys322Ter; replaces lysine 322 with a stop codon.
Molecular consequence: nonsense.
Genome position (GRCh38, 1-based): chr2:127,639,343, T>A on the plus strand (A>T on the coding strand, the complement: LIMS2 is on the minus strand). VCF-style: chr2-127639343-T-A. GRCh37 (hg19) VCF-style: chr2-128396918-T-A.
Other names: c.1030A>T, p.Lys344Ter (NM_001136037.4); c.949A>T, p.Lys317Ter (NM_001161404.2); c.508A>T, p.Lys170Ter (NM_001161405.1, NM_001256542.2); c.1036A>T, p.Lys346Ter (NM_017980.5); short protein forms K170*, K317*, K322*, K344*, K346*.
Identifiers: ClinVar variation 3220918 (VCV003220918.3), dbSNP rs775673470, ClinGen allele CA1862794.